The following is an entry in ClinVar:

ClinVar aggregate classification (germline): Uncertain significance (1 of 4 stars; one submission).

gnomAD v4.1: 2 of 1,210,795 alleles (0.00017%); highest among the groups gnomAD compares: Non-Finnish European, 0.00022%; no homozygotes.

Submission:

CeGaT Center for Human Genetics Tuebingen
Classification: Uncertain significance. Last evaluated: 2024-08-01. Review status: criteria provided, single submitter. Criteria: CeGaT Center For Human Genetics Tuebingen Variant Classification Criteria Version 2. Collection method: clinical testing. Allele origin: germline. Affected: yes. Observed: 1 variant allele.
Comment: MBTPS2: PM2, BP4

NM_015884.4(MBTPS2):c.804T>C (p.Ile268=)

Gene: MBTPS2 (membrane bound transcription factor peptidase, site 2; plus strand). Cytogenetic location: Xp22.12.
Variant type: single nucleotide variant.
Coding change: c.804T>C on transcript NM_015884.4 (MANE Select); coding-DNA position 804, T replaced by C.
Protein change: p.Ile268=; no amino-acid change (isoleucine 268 retained).
Molecular consequence: synonymous variant.
Genome position (GRCh38, 1-based): chrX:21,869,512, T>C. VCF-style: chrX-21869512-T-C. GRCh37 (hg19) VCF-style: chrX-21887630-T-C.
Identifiers: ClinVar variation 3342176 (VCV003342176.16).